The following is an entry in ClinVar:

NM_001440.4(EXTL3):c.1116C>T (p.Pro372=)

Gene: EXTL3 (exostosin like glycosyltransferase 3; plus strand). Cytogenetic location: 8p21.1.
Variant type: single nucleotide variant.
Coding change: c.1116C>T on transcript NM_001440.4 (MANE Select); coding-DNA position 1116, C replaced by T.
Protein change: p.Pro372=; no amino-acid change (proline 372 retained).
Molecular consequence: synonymous variant.
Genome position (GRCh38, 1-based): chr8:28,717,175, C>T. VCF-style: chr8-28717175-C-T. GRCh37 (hg19) VCF-style: chr8-28574692-C-T.
Identifiers: ClinVar variation 729804 (VCV000729804.45), dbSNP rs142915974, ClinGen allele CA4696146.
Genomic context (GRCh38, chr8:28,717,175, plus strand): 5'-TCTGAGGTCTAGCCTTCAGGAGGCCCGCTCCTTCGAAGAGGAAATGGAGGGCGACCCTCC[C>T]GCCGACTACGATGACCGGATCATTGCCACCCTGAAGGCGGTGCAGGACAGCAAGCTGGAT-3'
Protein context (NP_001431.1, residues 362-382): SFEEEMEGDP[Pro372=]ADYDDRIIAT

ClinVar aggregate classification (germline): Likely benign. Review status: criteria provided, multiple submitters, no conflicts (2 of 4 stars). 4 submissions from 4 submitters: Likely benign (4). Last evaluated 2026-02-01.

Allele frequency attached by ClinVar (database versions not stated): ESP Exome Variant Server 0.00015; 1000 Genomes Project 30x 0.00031; 1000 Genomes Project 0.00040; gnomAD exomes 0.00044 and 0.00059; gnomAD 0.00046 and 0.00050; ExAC 0.00050; TOPMed 0.00050.
gnomAD v4.1: 738 of 1,614,208 alleles (0.046%); highest among the groups gnomAD compares: Middle Eastern, 1.4%; 5 homozygotes.

Submissions (4):

CeGaT Center for Human Genetics Tuebingen
Classification: Likely benign. Last evaluated: 2026-02-01. Review status: criteria provided, single submitter. Criteria: CeGaT Center For Human Genetics Tuebingen Variant Classification Criteria Version 2. Collection method: clinical testing. Allele origin: germline. Affected: yes. Observed: 3 variant alleles.
Comment: EXTL3: BP4, BP7

Labcorp Genetics (formerly Invitae), Labcorp
Classification: Likely benign. Last evaluated: 2026-01-18. Review status: criteria provided, single submitter. Criteria: Invitae Variant Classification Sherloc (09022015). Collection method: clinical testing. Allele origin: germline.

Blueprint Genetics
Classification: Likely benign. Last evaluated: 2024-11-20. Review status: criteria provided, single submitter. Criteria: ACMG Guidelines, 2015. Collection method: clinical testing. Allele origin: germline.

Breakthrough Genomics
Classification: Likely benign. Review status: criteria provided, single submitter. Criteria: ACMG Guidelines, 2015. Collection method: not provided. Allele origin: germline. Inheritance: Autosomal recessive inheritance. Affected: yes.